The following continues an entry in ClinVar:

NM_007294.4(BRCA1):c.3598C>T (p.Gln1200Ter)

ClinVar aggregate classification (germline): Pathogenic. Pathogenic (1).

Submissions 9 to 25 of 25:

All of Us Research Program, National Institutes of Health
Classification: Pathogenic for Breast-ovarian cancer, familial, susceptibility to, 1. Last evaluated: 2024-01-04. Review status: criteria provided, single submitter. Criteria: ACMG Guidelines, 2015. Collection method: clinical testing. Allele origin: germline. Inheritance: Autosomal dominant inheritance. Observed: 3 variant alleles, 3 heterozygotes. Not counted in ClinVar's aggregate classification.
Comment: This variant changes 1 nucleotide in exon 10 of the BRCA1 gene, creating a premature translation stop signal. This variant is expected to result in an absent or non-functional protein product. This variant has been reported in over ten individuals and families affected with breast and ovarian cancer (PMID: 9452076, 12181777, 15955237, 16162645, 18159056, 22006311, 22711857, 25371446, 25682074, 27425403, 27553291). This variant has been identified in 1/250916 chromosomes in the general population by the Genome Aggregation Database (gnomAD). Loss of BRCA1 function is a known mechanism of disease. Based on the available evidence, this variant is classified as Pathogenic.

This study involves interpretation of variants in research participants for the purpose of population health screening. Participant phenotype was not available at the time of variant classification. Additional details can be found in publication PMID: 35346344, PMCID: PMC8962531

Baylor Genetics
Classification: Pathogenic for Breast-ovarian cancer, familial, susceptibility to, 1. Last evaluated: 2023-10-13. Review status: criteria provided, single submitter. Criteria: ACMG Guidelines, 2015. Collection method: clinical testing. Allele origin: unknown. Not counted in ClinVar's aggregate classification.

GeneDx
Classification: Pathogenic. Last evaluated: 2023-06-30. Review status: criteria provided, single submitter. Criteria: GeneDx Variant Classification Process June 2021. Collection method: clinical testing. Allele origin: germline. Affected: yes. Not counted in ClinVar's aggregate classification.
Comment: Nonsense variant predicted to result in protein truncation or nonsense mediated decay in a gene for which loss-of-function is a known mechanism of disease; Not observed at significant frequency in large population cohorts (gnomAD); Truncating variants in this gene are considered pathogenic by a well-established clinical consortium and/or database; Also known as 3717C>T; This variant is associated with the following publications: (PMID: 27221827, 16162645, 29161300, 18159056, 16267036, 32211327, 29922827, 28888541, 24333842, 25525159, 9452076, 22006311, 25682074, 25716084, 25371446, 25085752, 22711857, 27425403, 27553291, 28127413, 29061967, 28985766, 15955237, 29446198, 29907814, 30706980, 30720243, 31528241, 31454914, 31825140, 31742824, 33758026, 35264596, 35875314, 36385461, 35377489)

Revvity Omics, Revvity
Classification: Pathogenic. Last evaluated: 2022-09-21. Review status: criteria provided, single submitter. Criteria: ACMG Guidelines, 2015. Collection method: clinical testing. Allele origin: germline. Not counted in ClinVar's aggregate classification.

Women's Health and Genetics/Laboratory Corporation of America, LabCorp
Classification: Pathogenic for Hereditary breast ovarian cancer syndrome. Last evaluated: 2021-02-12. Review status: criteria provided, single submitter. Criteria: LabCorp Variant Classification Summary - May 2015. Collection method: clinical testing. Allele origin: germline. Not counted in ClinVar's aggregate classification.
Comment: Variant summary: BRCA1 c.3598C>T (p.Gln1200X) results in a premature termination codon, predicted to cause a truncation of the encoded protein or absence of the protein due to nonsense mediated decay, which are commonly known mechanisms for disease. Truncations downstream of this position have been classified as pathogenic by our laboratory. The variant allele was found at a frequency of 4e-06 in 250916 control chromosomes (gnomAD). c.3598C>T has been reported in the literature in multiple individuals and families affected with Hereditary Breast And Ovarian Cancer Syndrome (e.g. Tartaglini_1998, Liede_2002, Judkins_2005, Latimer_2005, Beetstra_2006, John_2007, Torres-Mejia_2015, Rebbeck_2018). These data indicate that the variant is very likely to be associated with disease. Eleven ClinVar submitters including an expert panel (ENIGMA) (evaluation after 2014) cite the variant as pathogenic. Based on the evidence outlined above, the variant was classified as pathogenic.

Fulgent Genetics
Classification: Pathogenic for Familial cancer of breast; Breast-ovarian cancer, familial, susceptibility to, 1; Pancreatic cancer, susceptibility to, 4; Fanconi anemia, complementation group S. Last evaluated: 2018-10-31. Review status: criteria provided, single submitter. Criteria: ACMG Guidelines, 2015. Collection method: clinical testing. Allele origin: unknown. Not counted in ClinVar's aggregate classification.

ARUP Laboratories, Molecular Genetics and Genomics, ARUP Laboratories
Classification: Pathogenic. Last evaluated: 2018-07-02. Review status: criteria provided, single submitter. Criteria: ARUP Molecular Germline Variant Investigation Process. Collection method: clinical testing. Allele origin: germline. Not counted in ClinVar's aggregate classification.
Comment: The BRCA1 c.3598C>T; p.Gln1200Ter variant (rs62625307), also known as 3717C>T, has been described in the literature in individuals with hereditary breast and ovarian cancer (Alemar 2016, Rashid 2016, Tartaglini 1998, Walsh 2011). It is reported as pathogenic by multiple laboratories in ClinVar (Variation ID: 54929) and is only observed on 1 allele in the Genome Aggregation Database. This variant introduces a premature termination codon and is predicted to result in a truncated protein or mRNA subject to nonsense-mediated decay. Based on available information, this variant is considered pathogenic. References: Alemar B et al. Prevalence of Hispanic BRCA1 and BRCA2 mutations among hereditary breast and ovarian cancer patients from Brazil reveals differences among Latin American populations. Cancer Genet. 2016 Sep;209(9):417-422. Rashid M et al. High prevalence and predominance of BRCA1 germline mutations in Pakistani triple-negative breast cancer patients. BMC Cancer. 2016 Aug 23;16(1):673. Tartaglini E et al. Three novel germline BRCA1 mutations in early-onset breast and ovarian cancer families. Hum Mutat. 1998;Suppl 1:S163-6. Walsh T et al. Mutations in 12 genes for inherited ovarian, fallopian tube, and peritoneal carcinoma identified by massively parallel sequencing. Proc Natl Acad Sci U S A. 2011;108(44):18032-7.

Mendelics
Classification: Pathogenic for Hereditary breast and ovarian cancer syndrome. Last evaluated: 2018-07-02. Review status: criteria provided, single submitter. Criteria: Mendelics Assertion Criteria 2017. Collection method: clinical testing. Allele origin: unknown. Not counted in ClinVar's aggregate classification.

Consortium of Investigators of Modifiers of BRCA1/2 (CIMBA), c/o University of Cambridge
Classification: Pathogenic for Breast-ovarian cancer, familial, susceptibility to, 1. Last evaluated: 2015-10-02. Review status: criteria provided, single submitter. Criteria: CIMBA Mutation Classification guidelines May 2016. Collection method: clinical testing. Allele origin: germline. Not counted in ClinVar's aggregate classification.

Molecular Genetics Laboratory, University of Michigan
Classification: Pathogenic for Breast-ovarian cancer, familial, susceptibility to, 1. Last evaluated: 2014-11-03. Review status: criteria provided, single submitter. Criteria: ACMG Guidelines, 2015. Collection method: clinical testing. Allele origin: germline. Affected: yes. Not counted in ClinVar's aggregate classification.

PreventionGenetics, part of Exact Sciences
Classification: Pathogenic for BRCA1-related condition. Last evaluated: 2024-07-22. Review status: no assertion criteria provided. Collection method: clinical testing. Allele origin: germline. Not counted in ClinVar's aggregate classification.
Comment: The BRCA1 c.3598C>T variant is predicted to result in premature protein termination (p.Gln1200*). This variant has been reported to be causative for breast and ovarian cancer (Walsh et al. 2011. PubMed ID: 22006311; Alsop et al. 2012. PubMed ID: 22711857, Supplementary Table 2; Wong-Brown et al. 2015. PubMed ID: 25682074). This variant is reported in 0.0033% of alleles in individuals of South Asian descent in gnomAD. This variant is interpreted as pathogenic in ClinVar. Nonsense variants in BRCA1 are expected to be pathogenic. This variant is interpreted as pathogenic.

Institute for Biomarker Research, Medical Diagnostic Laboratories, L.L.C.
Classification: Pathogenic for Hereditary breast ovarian cancer syndrome. Last evaluated: 2021-09-15. Review status: no assertion criteria provided. Collection method: clinical testing. Allele origin: germline. Not counted in ClinVar's aggregate classification.

BRCAlab, Lund University
Classification: Pathogenic for Breast-ovarian cancer, familial, susceptibility to, 1. Last evaluated: 2020-03-02. Review status: no assertion criteria provided. Collection method: clinical testing. Allele origin: germline. Affected: yes. Not counted in ClinVar's aggregate classification.

Counsyl
Classification: Pathogenic for Breast-ovarian cancer, familial, susceptibility to, 1. Last evaluated: 2016-03-03. Review status: no assertion criteria provided. Collection method: clinical testing. Allele origin: unknown. Not counted in ClinVar's aggregate classification.

Research Molecular Genetics Laboratory, Women's College Hospital, University of Toronto
Classification: Pathogenic for Hereditary breast ovarian cancer syndrome. Last evaluated: 2014-01-31. Review status: no assertion criteria provided. Collection method: research. Allele origin: germline. Affected: yes. Study: The Canadian Open Genetics Repository (COGR). Not counted in ClinVar's aggregate classification.

Sharing Clinical Reports Project (SCRP)
Classification: Pathogenic for Breast-ovarian cancer, familial 1. Last evaluated: 2012-01-26. Review status: no assertion criteria provided. Collection method: clinical testing. Allele origin: germline. Not counted in ClinVar's aggregate classification.

Breast Cancer Information Core (BIC) (BRCA1)
Classification: Pathogenic for Breast-ovarian cancer, familial 1. Last evaluated: 1999-12-30. Review status: no assertion criteria provided. Collection method: clinical testing. Allele origin: germline. Affected: yes. Observed: 21 variant alleles. Not counted in ClinVar's aggregate classification.

Literature cited by the submitters: PubMed 20104584 (cited by Labcorp Genetics (formerly Invitae), Labcorp); PubMed 9452076 (cited by 7 submitters); PubMed 22006311 (cited by 6 submitters); PubMed 22711857 (cited by 5 submitters); PubMed 24333842 (cited by Labcorp Genetics (formerly Invitae), Labcorp); PubMed 25682074 (cited by 4 submitters); PubMed 12181777 (cited by 4 submitters); PubMed 15955237 (cited by 6 submitters); PubMed 16162645 (cited by 4 submitters); PubMed 18159056 (cited by 5 submitters); PubMed 25371446 (cited by 6 submitters); PubMed 27553291 (cited by 4 submitters); PubMed 31853058 (cited by Color Diagnostics, LLC DBA Color Health); PubMed 33606809 (cited by 3 submitters); PubMed 25716084 (cited by Ambry Genetics); PubMed 27425403 (cited by Ambry Genetics and All of Us Research Program, National Institutes of Health); PubMed 29161300 (cited by Ambry Genetics and Quest Diagnostics Nichols Institute San Juan Capistrano); PubMed 29446198 (cited by 3 submitters); PubMed 31742824 (cited by Ambry Genetics and Quest Diagnostics Nichols Institute San Juan Capistrano); PubMed 33471991 (cited by Quest Diagnostics Nichols Institute San Juan Capistrano); PubMed 33758026 (cited by Quest Diagnostics Nichols Institute San Juan Capistrano); PubMed 28888541 (cited by Quest Diagnostics Nichols Institute San Juan Capistrano); PubMed 29907814 (cited by Quest Diagnostics Nichols Institute San Juan Capistrano); PubMed 31528241 (cited by Quest Diagnostics Nichols Institute San Juan Capistrano); PubMed 31454914 (cited by Quest Diagnostics Nichols Institute San Juan Capistrano); PubMed 31825140 (cited by Quest Diagnostics Nichols Institute San Juan Capistrano); PubMed 35377489 (cited by Quest Diagnostics Nichols Institute San Juan Capistrano); PubMed 26295337 (cited by Quest Diagnostics Nichols Institute San Juan Capistrano); PubMed 16267036 (cited by Women's Health and Genetics/Laboratory Corporation of America, LabCorp).